The following is an entry in ClinVar:

ClinVar aggregate classification (germline): Uncertain significance (1 of 4 stars; one submission).

Submission:

GeneDx
Classification: Uncertain significance. Last evaluated: 2023-11-18. Review status: criteria provided, single submitter. Criteria: GeneDx Variant Classification Process June 2021. Collection method: clinical testing. Allele origin: germline. Affected: yes.
Comment: Not observed at significant frequency in large population cohorts (gnomAD); In silico analysis supports that this missense variant has a deleterious effect on protein structure/function; Has not been previously published as pathogenic or benign to our knowledge

NM_021096.4(CACNA1I):c.4155C>G (p.Ile1385Met)

Gene: CACNA1I (calcium voltage-gated channel subunit alpha1 I; plus strand). Cytogenetic location: 22q13.1.
Variant type: single nucleotide variant.
Coding change: c.4155C>G on transcript NM_021096.4 (MANE Select); coding-DNA position 4155, C replaced by G.
Protein change: p.Ile1385Met; replaces isoleucine 1385 with methionine.
Molecular consequence: missense variant.
Genome position (GRCh38, 1-based): chr22:39,668,342, C>G. VCF-style: chr22-39668342-C-G. GRCh37 (hg19) VCF-style: chr22-40064347-C-G.
Other names: c.4050C>G, p.Ile1350Met (NM_001003406.2); short protein forms I1350M, I1385M.
Identifiers: ClinVar variation 3364646 (VCV003364646.1).